The following is an entry in ClinVar:

ClinVar aggregate classification (germline): Benign. Review status: criteria provided, single submitter (1 of 4 stars). 2 submissions from 2 submitters: Benign (1). 1 of the submissions does not count toward it. Last evaluated 2021-05-04.

Conditions:
BLTP1-related disorder. Also called: BLTP1-related condition.

Allele frequency attached by ClinVar (database versions not stated): gnomAD exomes 0.00372 and 0.00984; ExAC 0.01168; gnomAD 0.03644 and 0.03913; ESP Exome Variant Server 0.03730; 1000 Genomes Project 0.04073; TOPMed 0.04100; 1000 Genomes Project 30x 0.04466.
gnomAD v4.1: 11,187 of 1,612,398 alleles (0.69%); highest among the groups gnomAD compares: African/African-American, 13%; 663 homozygotes.

Submissions (2):

GeneDx
Classification: Benign. Last evaluated: 2021-05-04. Review status: criteria provided, single submitter. Criteria: GeneDx Variant Classification Process June 2021. Collection method: clinical testing. Allele origin: germline. Affected: yes.

PreventionGenetics, part of Exact Sciences
Classification: Benign for BLTP1-related condition. Last evaluated: 2019-03-19. Review status: no assertion criteria provided. Collection method: clinical testing. Allele origin: germline. Not counted in ClinVar's aggregate classification.
Comment: This variant is classified as benign based on ACMG/AMP sequence variant interpretation guidelines (Richards et al. 2015 PMID: 25741868, with internal and published modifications).

NM_001384125.1(BLTP1):c.14620A>G (p.Thr4874Ala)

Gene: BLTP1 (bridge-like lipid transfer protein family member 1; plus strand). Cytogenetic location: 4q27.
Variant type: single nucleotide variant.
Coding change: c.14620A>G on transcript NM_001384125.1 (MANE Select); coding-DNA position 14620, A replaced by G.
Protein change: p.Thr4874Ala; replaces threonine 4874 with alanine.
Molecular consequence: missense variant.
Genome position (GRCh38, 1-based): chr4:122,355,846, A>G. VCF-style: chr4-122355846-A-G. GRCh37 (hg19) VCF-style: chr4-123277001-A-G.
Other names: c.14356A>G, p.Thr4786Ala (NM_015312.4); short protein forms T4786A, T4874A.
Identifiers: ClinVar variation 1239628 (VCV001239628.6), dbSNP rs10017270, ClinGen allele CA3068381.